The following is an entry in ClinVar:

NM_182710.3(KAT5):c.493C>A (p.Gln165Lys)

Gene: KAT5 (lysine acetyltransferase 5; plus strand). Cytogenetic location: 11q13.1.
Variant type: single nucleotide variant.
Coding change: c.493C>A on transcript NM_182710.3 (MANE Select); coding-DNA position 493, C replaced by A.
Protein change: p.Gln165Lys; replaces glutamine 165 with lysine.
Molecular consequence: missense variant. On other transcripts: intron variant (2).
Genome position (GRCh38, 1-based): chr11:65,713,456, C>A. VCF-style: chr11-65713456-C-A. GRCh37 (hg19) VCF-style: chr11-65480927-C-A.
Other names: c.394C>A, p.Gln132Lys (NM_006388.4); c.385-137C>A (NM_001206833.2); c.286-137C>A (NM_182709.3); short protein forms Q165K, Q132K.
Identifiers: ClinVar variation 4983898 (VCV004983898.1).

ClinVar aggregate classification (germline): Uncertain significance (1 of 4 stars; one submission).

Conditions:
KAT5-related disorder. Also called: KAT5-related condition.

gnomAD v4.1: 1 of 1,614,060 alleles (0.000062%); highest among the groups gnomAD compares: Non-Finnish European, 0.000085%; no homozygotes.

Submission:

PreventionGenetics, part of Exact Sciences
Classification: Uncertain significance for KAT5-related condition. Last evaluated: 2025-03-17. Review status: criteria provided, single submitter. Criteria: ACMG Guidelines, 2015. Collection method: clinical testing. Allele origin: germline.
Comment: The KAT5 c.493C>A variant is predicted to result in the amino acid substitution p.Gln165Lys. To our knowledge, this variant has not been reported in the literature. This variant is reported in 0.0065% of alleles in individuals of European (Non-Finnish) descent in gnomAD. At this time, the clinical significance of this variant is uncertain due to the absence of conclusive functional and genetic evidence.